The following is an entry in ClinVar:

ClinVar aggregate classification (germline): Uncertain significance. Review status: criteria provided, single submitter (1 of 4 stars). 3 submissions from 3 submitters: Uncertain significance (1). 2 of the submissions do not count toward it. Last evaluated 2022-09-01.

Conditions:
Tay-Sachs disease (TSD). Also called: HEXA Disorders; HEXA DEFICIENCY; Hexosaminidase A Deficiency; GM2 gangliosidosis, type 1; Hexosaminidase alpha-subunit deficiency (variant B); Sphingolipidosis, Tay-Sachs. Identifiers: Orphanet 845, MedGen C0039373, MONDO:0010100, OMIM 272800.

Allele frequency attached by ClinVar (database versions not stated): gnomAD exomes 0.00001 and 0.00004; ExAC 0.00003; gnomAD 0.00014 and 0.00015; TOPMed 0.00021; ESP Exome Variant Server 0.00023.
gnomAD v4.1: 40 of 1,614,046 alleles (0.0025%); highest among the groups gnomAD compares: African/African-American, 0.048%; no homozygotes.

Submissions (4):

Labcorp Genetics (formerly Invitae), Labcorp
Classification: Uncertain significance for Tay-Sachs disease. Last evaluated: 2022-09-01. Review status: criteria provided, single submitter. Criteria: Invitae Variant Classification Sherloc (09022015). Collection method: clinical testing. Allele origin: germline.
Comment: This sequence change replaces alanine, which is neutral and non-polar, with valine, which is neutral and non-polar, at codon 410 of the HEXA protein (p.Ala410Val). This variant is present in population databases (rs151251788, gnomAD 0.05%). This variant has not been reported in the literature in individuals affected with HEXA-related conditions. ClinVar contains an entry for this variant (Variation ID: 554854). Algorithms developed to predict the effect of missense changes on protein structure and function are either unavailable or do not agree on the potential impact of this missense change (SIFT: "Tolerated"; PolyPhen-2: "Probably Damaging"; Align-GVGD: "Class C0"). Algorithms developed to predict the effect of sequence changes on RNA splicing suggest that this variant may create or strengthen a splice site. In summary, the available evidence is currently insufficient to determine the role of this variant in disease. Therefore, it has been classified as a Variant of Uncertain Significance.

Natera, Inc.
Classification: Uncertain significance for Tay-Sachs disease. Last evaluated: 2018-07-24. Review status: no assertion criteria provided. Collection method: clinical testing. Allele origin: germline. Not counted in ClinVar's aggregate classification.

Counsyl
Classification: Uncertain significance for Tay-Sachs disease. Last evaluated: 2017-11-16. Review status: no assertion criteria provided. Collection method: clinical testing. Allele origin: unknown. Not counted in ClinVar's aggregate classification.

Dr. Peter K. Rogan Lab, Western University
No classification provided (evidence only). Condition: Melanoma. Review status: no classification provided. Collection method: in vitro. Allele origin: not applicable. Functional consequence: retained intron. Not counted in ClinVar's aggregate classification.

NM_000520.6(HEXA):c.1229C>T (p.Ala410Val)

Gene: HEXA (hexosaminidase subunit alpha; minus strand). Cytogenetic location: 15q23.
Variant type: single nucleotide variant.
Coding change: c.1229C>T on transcript NM_000520.6 (MANE Select); coding-DNA position 1229, C replaced by T.
Protein change: p.Ala410Val; replaces alanine 410 with valine.
Molecular consequence: missense variant.
Genome position (GRCh38, 1-based): chr15:72,346,628, G>A on the plus strand (C>T on the coding strand, the complement: HEXA is on the minus strand). VCF-style: chr15-72346628-G-A. GRCh37 (hg19) VCF-style: chr15-72638969-G-A.
Other names: c.1262C>T, p.Ala421Val (NM_001318825.2); short protein forms A410V, A421V.
Identifiers: ClinVar variation 554854 (VCV000554854.10), dbSNP rs151251788, ClinGen allele CA7644754.
Genomic context (GRCh38, chr15:72,346,628, plus strand): 5'-TCAGGGCCATAGGATATACGGTTCAGGTACCAGGGGGCAGAGAGAAGGGCCCGGAAGCCG[G>A]CCTTGGTGACCAGTTCCAGCTCCTTCATATAGTTCACTGGAATATCCTCTCGCCACACCT-3'
Protein context (NP_000511.2, residues 400-420): YMKELELVTK[Ala410Val]GFRALLSAPW